The following is an entry in ClinVar:

ClinVar aggregate classification (germline): Uncertain significance. Review status: criteria provided, multiple submitters, no conflicts (2 of 4 stars). 2 submissions from 2 submitters: Uncertain significance (2). Last evaluated 2024-03-01.

Conditions:
Autosomal dominant nonsyndromic hearing loss 1. Also called: KONIGSMARK SYNDROME; DEAFNESS, AUTOSOMAL DOMINANT 1, WITH OR WITHOUT THROMBOCYTOPENIA. Identifiers: Orphanet 90635, MedGen C1852282, MONDO:0007424, OMIM 124900.
Progressive microcephaly-seizures-cortical blindness-developmental delay syndrome. Also called: Seizures, cortical blindness, and microcephaly syndrome. Identifiers: Orphanet 477814, MedGen C5567650, MONDO:0014714, OMIM 616632.

Allele frequency attached by ClinVar (database versions not stated): gnomAD exomes below 0.00001.
gnomAD v4.1: 1 of 1,609,974 alleles (0.000062%); highest among the groups gnomAD compares: Non-Finnish European, 0.000085%; no homozygotes.

Submissions (2):

Labcorp Genetics (formerly Invitae), Labcorp
Classification: Uncertain significance for Progressive microcephaly-seizures-cortical blindness-developmental delay syndrome; Autosomal dominant nonsyndromic hearing loss 1. Last evaluated: 2024-03-01. Review status: criteria provided, single submitter. Criteria: Invitae Variant Classification Sherloc (09022015). Collection method: clinical testing. Allele origin: germline.
Comment: This sequence change falls in intron 9 of the DIAPH1 gene. It does not directly change the encoded amino acid sequence of the DIAPH1 protein. It affects a nucleotide within the consensus splice site. This variant is not present in population databases (gnomAD no frequency). This variant has not been reported in the literature in individuals affected with DIAPH1-related conditions. ClinVar contains an entry for this variant (Variation ID: 351299). Variants that disrupt the consensus splice site are a relatively common cause of aberrant splicing (PMID: 17576681, 9536098). Algorithms developed to predict the effect of sequence changes on RNA splicing suggest that this variant may disrupt the consensus splice site. In summary, the available evidence is currently insufficient to determine the role of this variant in disease. Therefore, it has been classified as a Variant of Uncertain Significance.

Illumina Laboratory Services, Illumina
Classification: Uncertain significance for Autosomal dominant nonsyndromic hearing loss 1. Last evaluated: 2018-01-12. Review status: criteria provided, single submitter. Criteria: ICSL Variant Classification Criteria 13 December 2019. Collection method: clinical testing. Allele origin: germline.

Literature cited by the submitters: PubMed 17576681 (cited by Labcorp Genetics (formerly Invitae), Labcorp); PubMed 9536098 (cited by Labcorp Genetics (formerly Invitae), Labcorp).

NM_005219.5(DIAPH1):c.934-3T>G

Gene: DIAPH1 (diaphanous related formin 1; minus strand). Cytogenetic location: 5q31.3.
Variant type: single nucleotide variant.
Coding change: c.934-3T>G on transcript NM_005219.5 (MANE Select); 3 bases into the intron before coding-DNA position 934, T replaced by G.
Molecular consequence: intron variant.
Genome position (GRCh38, 1-based): chr5:141,578,628, A>C on the plus strand (T>G on the coding strand, the complement: DIAPH1 is on the minus strand). VCF-style: chr5-141578628-A-C. GRCh37 (hg19) VCF-style: chr5-140958195-A-C.
Other names: c.907-3T>G (NM_001079812.3); c.934-3T>G (NM_001314007.2).
Identifiers: ClinVar variation 351299 (VCV000351299.7), dbSNP rs886060033, ClinGen allele CA10623026.